The following is an entry in ClinVar:

NM_000548.5(TSC2):c.2790G>A (p.Lys930=)

Gene: TSC2 (TSC complex subunit 2; plus strand). Cytogenetic location: 16p13.3.
Variant type: single nucleotide variant.
Coding change: c.2790G>A on transcript NM_000548.5 (MANE Select); coding-DNA position 2790, G replaced by A.
Protein change: p.Lys930=; no amino-acid change (lysine 930 retained).
Molecular consequence: synonymous variant.
Genome position (GRCh38, 1-based): chr16:2,076,538, G>A. VCF-style: chr16-2076538-G-A. GRCh37 (hg19) VCF-style: chr16-2126539-G-A.
Other names: c.2790G>A (NM_000548.3); c.2790G>A, p.Lys930= (NM_001077183.3, NM_001114382.3, NM_001363528.2 and 3 more transcripts); c.2679G>A, p.Lys893= (NM_001318827.2); c.2643G>A, p.Lys881= (NM_001318829.2); c.2190G>A, p.Lys730= (NM_001318831.2); c.2823G>A, p.Lys941= (NM_001318832.2).
Identifiers: ClinVar variation 1641572 (VCV001641572.10), dbSNP rs2151395271, ClinGen allele CA492954461.
Genomic context (GRCh38, chr16:2,076,538, plus strand): 5'-CTCACTCTGCCAGGGCCTGCGGTCCAATGTCCTCTTGTCTTTTGATGACACCCCCGAGAA[G>A]GACAGCTTCAGGGCCCGGAGTACTAGTCTCAACGAGAGACCCAAGAGGTACGGCCTGCGG-3'
Protein context (NP_000539.2, residues 920-940): VLLSFDDTPE[Lys930=]DSFRARSTSL

ClinVar aggregate classification (germline): Likely benign. Review status: criteria provided, multiple submitters, no conflicts (2 of 4 stars). 3 submissions from 3 submitters: Likely benign (3). Last evaluated 2024-09-15.

Conditions:
Tuberous sclerosis syndrome (TSC). Also called: Tuberous Sclerosis Complex; Tuberous sclerosis. Identifiers: Orphanet 805, MedGen C0041341, MONDO:0001734.
Hereditary cancer-predisposing syndrome. Also called: Tumor predisposition; Hereditary neoplastic syndrome; Neoplastic Syndromes, Hereditary; Hereditary Cancer Syndrome. Identifiers: Orphanet 140162, MedGen C0027672, MeSH D009386, MONDO:0015356.
Tuberous sclerosis 2 (TSC2). Identifiers: Orphanet 805, MedGen C1860707, MONDO:0013199, OMIM 613254.

Submissions (3):

Labcorp Genetics (formerly Invitae), Labcorp
Classification: Likely benign for Tuberous sclerosis 2. Last evaluated: 2024-09-15. Review status: criteria provided, single submitter. Criteria: Invitae Variant Classification Sherloc (09022015). Collection method: clinical testing. Allele origin: germline.

All of Us Research Program, National Institutes of Health
Classification: Likely benign for Tuberous sclerosis syndrome. Last evaluated: 2024-08-13. Review status: criteria provided, single submitter. Criteria: ACMG Guidelines, 2015. Collection method: clinical testing. Allele origin: germline. Inheritance: Autosomal dominant inheritance. Observed: 1 variant allele, 1 heterozygote.
Comment: This study involves interpretation of variants in research participants for the purpose of population health screening. Participant phenotype was not available at the time of variant classification. Additional details can be found in publication PMID: 35346344, PMCID: PMC8962531

Ambry Genetics
Classification: Likely benign for Hereditary cancer-predisposing syndrome. Last evaluated: 2023-10-25. Review status: criteria provided, single submitter. Criteria: Ambry Variant Classification Scheme 2023. Collection method: clinical testing. Allele origin: germline.